The following is an entry in ClinVar:

ClinVar aggregate classification (germline): Pathogenic (1 of 4 stars; one submission).

Conditions:
Alpha-1-antitrypsin deficiency (A1ATD). Also called: AAT deficiency; A1AT deficiency; Alpha1-Antitrypsin Deficiency. Identifiers: Orphanet 60, MedGen C0221757, MONDO:0013282, OMIM 613490.

Submission:

Labcorp Genetics (formerly Invitae), Labcorp
Classification: Pathogenic for Alpha-1-antitrypsin deficiency. Last evaluated: 2021-11-28. Review status: criteria provided, single submitter. Criteria: Invitae Variant Classification Sherloc (09022015). Collection method: clinical testing. Allele origin: germline.
Comment: This sequence change creates a premature translational stop signal (p.Glu370Lysfs*8) in the SERPINA1 gene. While this is not anticipated to result in nonsense mediated decay, it is expected to disrupt the last 49 amino acid(s) of the SERPINA1 protein. This variant is not present in population databases (gnomAD no frequency). This variant has not been reported in the literature in individuals affected with SERPINA1-related conditions. This variant disrupts a region of the SERPINA1 protein in which other variant(s) (p.Glu387Argfs*14) have been determined to be pathogenic (PMID: 9070606, 11334395, 22016686; Invitae). This suggests that this is a clinically significant region of the protein, and that variants that disrupt it are likely to be disease-causing. For these reasons, this variant has been classified as Pathogenic.

Literature cited by the submitters: PubMed 9070606; PubMed 11334395; PubMed 22016686.

NM_000295.5(SERPINA1):c.1113_1114del (p.Ala372fs)

Gene: SERPINA1 (serpin family A member 1; minus strand). Cytogenetic location: 14q32.13.
Variant type: Deletion.
Coding change: c.1113_1114del on transcript NM_000295.5 (MANE Select); coding-DNA positions 1113 to 1114, 2 bases deleted (TG; older notation c.1113_1114delTG).
Protein change: p.Ala372fs; shifts the reading frame from alanine 372.
Molecular consequence: frameshift variant.
Genome position (GRCh38, 1-based): chr14:94,378,592-94,378,593, CA deleted on the plus strand (TG on the coding strand, the reverse complement: SERPINA1 is on the minus strand). VCF-style (leftmost placement, unchanged base first): chr14-94378591-GCA-G. GRCh37 (hg19) VCF-style: chr14-94844928-GCA-G.
Other names: c.1113_1114del, p.Ala372fs (NM_001002235.3, NM_001002236.3, NM_001127700.2 and 7 more transcripts); short protein forms A372fs.
Identifiers: ClinVar variation 1075108 (VCV001075108.2), dbSNP rs2139665561, ClinGen allele CA2499222787.